The following is an entry in ClinVar:

NM_001267727.2(ARSG):c.554_556del (p.Asp185del)

Gene: ARSG (arylsulfatase G; plus strand). Cytogenetic location: 17q24.2.
Variant type: Deletion.
Coding change: c.554_556del on transcript NM_001267727.2 (MANE Select); coding-DNA positions 554 to 556, 3 bases deleted (ATG; older notation c.554_556delATG).
Protein change: p.Asp185del; deletes aspartic acid 185.
Molecular consequence: inframe deletion.
Genome position (GRCh38, 1-based): chr17:68,351,674-68,351,676, ATG deleted; deleting any 3 consecutive bases within chr17:68,351,672-68,351,676 gives the same sequence; the c. name uses the placement nearest the transcript's 3' end. VCF-style (leftmost placement, unchanged base first): chr17-68351671-GTGA-G. GRCh37 (hg19) VCF-style: chr17-66347812-GTGA-G.
Other names: c.554_556del, p.Asp185del (NM_001352899.2, NM_001352900.2, NM_001352901.2 and 8 more transcripts); c.506_508del, p.Asp169del (NM_001352909.2); short protein forms D185del, D169del.
Identifiers: ClinVar variation 1515229 (VCV001515229.6), dbSNP rs2146381151, ClinGen allele CA2573154756.
Genomic context (GRCh38, chr17:68,351,671, plus strand): 5'-ATATGGGCTGTACTGATACTCCAGGCTACAACCACCCTCCTTGTCCAGCGTGTCCACAGG[GTGA>G]TGGACCATCAAGGTAATGCTGTCTGACACATTTGCGATAGGCTCCAGGACAAGGCAAAGT-3'

ClinVar aggregate classification (germline): Uncertain significance (1 of 4 stars; one submission).

Submission:

Labcorp Genetics (formerly Invitae), Labcorp
Classification: Uncertain significance. Last evaluated: 2021-12-14. Review status: criteria provided, single submitter. Criteria: Invitae Variant Classification Sherloc (09022015). Collection method: clinical testing. Allele origin: germline.
Comment: This variant, c.554_556del, results in the deletion of 1 amino acid(s) of the ARSG protein (p.Asp185del), but otherwise preserves the integrity of the reading frame. This variant is not present in population databases (gnomAD no frequency). This variant has not been reported in the literature in individuals affected with ARSG-related conditions. Experimental studies and prediction algorithms are not available or were not evaluated, and the functional significance of this variant is currently unknown. In summary, the available evidence is currently insufficient to determine the role of this variant in disease. Therefore, it has been classified as a Variant of Uncertain Significance.